The following is an entry in ClinVar:

ClinVar aggregate classification (germline): Conflicting classifications of pathogenicity. Review status: criteria provided, conflicting classifications (1 of 4 stars). 3 submissions from 3 submitters: Likely pathogenic (1); Uncertain significance (2). Last evaluated 2025-07-03.

Conditions:
Mild to moderate NDD.

gnomAD v4.1: 14 of 1,613,510 alleles (0.00087%); highest among the groups gnomAD compares: Non-Finnish European, 0.0012%; no homozygotes.

Submissions (3):

Genetics and Personalized Medicine, Danish Epilepsy Center
Classification: Likely pathogenic for Mild to moderate NDD. Last evaluated: 2025-07-03. Review status: criteria provided, single submitter. Criteria: ACMG Guidelines, 2015. Collection method: clinical testing. Allele origin: maternal. Inheritance: Autosomal recessive inheritance. Affected: yes. Observed: 2 compound heterozygotes. Clinical features observed: ASD, Mild to moderate intellectual disability, Dysmorphic features, Moderate to severe intellectual disability.
Comment: PM1, PM2, PP3, PP4

Ambry Genetics
Classification: Uncertain significance. Last evaluated: 2022-12-28. Review status: criteria provided, single submitter. Criteria: Ambry Variant Classification Scheme 2023. Collection method: clinical testing. Allele origin: germline.

GeneDx
Classification: Uncertain significance. Last evaluated: 2019-09-03. Review status: criteria provided, single submitter. Criteria: GeneDx Variant Classification Process June 2021. Collection method: clinical testing. Allele origin: germline. Affected: yes.
Comment: Not observed in large population cohorts (Lek et al., 2016); In silico analysis, which includes protein predictors and evolutionary conservation, supports a deleterious effect; Has not been previously published as pathogenic or benign to our knowledge

NM_001378328.1(CELSR1):c.3601G>A (p.Asp1201Asn)

Gene: CELSR1 (cadherin EGF LAG seven-pass G-type receptor 1; minus strand). Cytogenetic location: 22q13.31.
Variant type: single nucleotide variant.
Coding change: c.3601G>A on transcript NM_001378328.1 (MANE Select); coding-DNA position 3601, G replaced by A.
Protein change: p.Asp1201Asn; replaces aspartic acid 1201 with asparagine.
Molecular consequence: missense variant.
Genome position (GRCh38, 1-based): chr22:46,464,289, C>T on the plus strand (G>A on the coding strand, the complement: CELSR1 is on the minus strand). VCF-style: chr22-46464289-C-T. GRCh37 (hg19) VCF-style: chr22-46860186-C-T.
Other names: c.3601G>A, p.Asp1201Asn (NM_014246.4); short protein forms D1201N.
Identifiers: ClinVar variation 1315692 (VCV001315692.5), dbSNP rs746784282, ClinGen allele CA325171869.
Genomic context (GRCh38, chr22:46,464,289, plus strand): 5'-ACAGGAACTTCTCCTGGGACATGTTCTCCAGGCGGACAGTGATGCTGTTGGTCAGCATGT[C>T]GTCCGTGATGATGGTGACACGCAGGGTGCAGAAGGCCGTGACGCTGTGGATGCCATCTGC-3'
Protein context (NP_001365257.1, residues 1191-1211): CTLRVTIITD[Asp1201Asn]MLTNSITVRL